The following is an entry in ClinVar:

NM_001079802.2(FKTN):c.1009G>A (p.Asp337Asn)

Gene: FKTN (fukutin; plus strand). Cytogenetic location: 9q31.2.
Variant type: single nucleotide variant.
Coding change: c.1009G>A on transcript NM_001079802.2 (MANE Select); coding-DNA position 1009, G replaced by A.
Protein change: p.Asp337Asn; replaces aspartic acid 337 with asparagine.
Molecular consequence: missense variant. On other transcripts: non-coding transcript variant (1).
Genome position (GRCh38, 1-based): chr9:105,618,057, G>A. VCF-style: chr9-105618057-G-A. GRCh37 (hg19) VCF-style: chr9-108380338-G-A.
Other names: c.1009G>A, p.Asp337Asn (NM_001198963.2, NM_001351496.2, NM_001351498.2 and 1 more transcripts); c.940G>A, p.Asp314Asn (NM_001351497.2); c.613G>A, p.Asp205Asn (NM_001351499.2, NM_001351500.2, NM_001351501.2 and 1 more transcripts); short protein forms D205N, D337N, D314N.
Identifiers: ClinVar variation 1794748 (VCV001794748.3), dbSNP rs752721354, ClinGen allele CA374377602.
Genomic context (GRCh38, chr9:105,618,057, plus strand): 5'-GATGTTGACCTAGGAATTTTTATACAAGATTACAAATCTGATATTATTTTAGCATTTCAG[G>A]ATGCAGGACTTCCGCTCAAACACAAATTTGGGAAGGTCAGTAACAAAAGTCGGCTTCATT-3'
Protein context (NP_001073270.1, residues 327-347): YKSDIILAFQ[Asp337Asn]AGLPLKHKFG

ClinVar aggregate classification (germline): Uncertain significance. Review status: criteria provided, multiple submitters, no conflicts (2 of 4 stars). 2 submissions from 2 submitters: Uncertain significance (2). Last evaluated 2026-06-22.

Conditions:
Cardiovascular phenotype. Identifiers: MedGen CN230736.

gnomAD v4.1: 2 of 1,611,698 alleles (0.00012%); highest among the groups gnomAD compares: Non-Finnish European, 0.000085%; no homozygotes.

Submissions (2):

Women's Health and Genetics/Laboratory Corporation of America, LabCorp
Classification: Uncertain significance. Last evaluated: 2026-06-22. Review status: criteria provided, single submitter. Criteria: LabCorp Variant Classification Summary - May 2015. Collection method: clinical testing. Allele origin: germline.

Ambry Genetics
Classification: Uncertain significance for Cardiovascular phenotype. Last evaluated: 2021-09-10. Review status: criteria provided, single submitter. Criteria: Ambry Variant Classification Scheme 2023. Collection method: clinical testing. Allele origin: germline.
Comment: The p.D337N variant (also known as c.1009G>A), located in coding exon 7 of the FKTN gene, results from a G to A substitution at nucleotide position 1009. The aspartic acid at codon 337 is replaced by asparagine, an amino acid with highly similar properties. This amino acid position is conserved. In addition, this alteration is predicted to be tolerated by in silico analysis. Since supporting evidence is limited at this time, the clinical significance of this alteration remains unclear.